The following is an entry in ClinVar:

ClinVar aggregate classification (germline): Uncertain significance (1 of 4 stars; one submission).

Submission:

Labcorp Genetics (formerly Invitae), Labcorp
Classification: Uncertain significance. Last evaluated: 2023-09-04. Review status: criteria provided, single submitter. Criteria: Invitae Variant Classification Sherloc (09022015). Collection method: clinical testing. Allele origin: germline.
Comment: This variant has not been reported in the literature in individuals affected with PACS2-related conditions. This sequence change replaces asparagine, which is neutral and polar, with aspartic acid, which is acidic and polar, at codon 456 of the PACS2 protein (p.Asn456Asp). This variant is not present in population databases (gnomAD no frequency). Advanced modeling of protein sequence and biophysical properties (such as structural, functional, and spatial information, amino acid conservation, physicochemical variation, residue mobility, and thermodynamic stability) performed at Invitae indicates that this missense variant is not expected to disrupt PACS2 protein function. In summary, the available evidence is currently insufficient to determine the role of this variant in disease. Therefore, it has been classified as a Variant of Uncertain Significance.

NM_001100913.3(PACS2):c.1366A>G (p.Asn456Asp)

Gene: PACS2 (phosphofurin acidic cluster sorting protein 2; plus strand). Cytogenetic location: 14q32.33.
Variant type: single nucleotide variant.
Coding change: c.1366A>G on transcript NM_001100913.3 (MANE Select); coding-DNA position 1366, A replaced by G.
Protein change: p.Asn456Asp; replaces asparagine 456 with aspartic acid.
Molecular consequence: missense variant.
Genome position (GRCh38, 1-based): chr14:105,382,011, A>G. VCF-style: chr14-105382011-A-G. GRCh37 (hg19) VCF-style: chr14-105848348-A-G.
Other names: c.1141A>G, p.Asn381Asp (NM_001243127.3); c.1366A>G, p.Asn456Asp (NM_015197.4); short protein forms N456D, N381D.
Identifiers: ClinVar variation 2757483 (VCV002757483.3), dbSNP rs2544805197, ClinGen allele CA391181797.